The following is an entry in ClinVar:

NM_182961.4(SYNE1):c.15815G>A (p.Arg5272Gln)

Gene: SYNE1 (spectrin repeat containing nuclear envelope protein 1; minus strand). Cytogenetic location: 6q25.2.
Variant type: single nucleotide variant.
Coding change: c.15815G>A on transcript NM_182961.4 (MANE Select); coding-DNA position 15815, G replaced by A.
Protein change: p.Arg5272Gln; replaces arginine 5272 with glutamine.
Molecular consequence: missense variant.
Genome position (GRCh38, 1-based): chr6:152,323,580, C>T on the plus strand (G>A on the coding strand, the complement: SYNE1 is on the minus strand). VCF-style: chr6-152323580-C-T. GRCh37 (hg19) VCF-style: chr6-152644715-C-T.
Other names: c.15602G>A, p.Arg5201Gln (NM_033071.5); c.15602G>A (NM_033071.3); short protein forms R5201Q, R5272Q.
Identifiers: ClinVar variation 501933 (VCV000501933.12), dbSNP rs201750136, ClinGen allele CA4055692.

ClinVar aggregate classification (germline): Conflicting classifications of pathogenicity. Review status: criteria provided, conflicting classifications (1 of 4 stars). 4 submissions from 4 submitters: Uncertain significance (3); Likely benign (1). Last evaluated 2024-10-09.

Conditions:
Autosomal recessive ataxia, Beauce type. Also called: Spinocerebellar ataxia, autosomal recessive 8; ATAXIA, RECESSIVE, OF BEAUCE; SYNE1-Related Autosomal Recessive Cerebellar Ataxia; SYNE1 Deficiency. Identifiers: Orphanet 88644, MedGen C1853116, MONDO:0012549, OMIM 610743.
Emery-Dreifuss muscular dystrophy 4, autosomal dominant (EDMD4). Also called: EMERY-DREIFUSS MUSCULAR DYSTROPHY 4 WITH VARIABLE FEATURES. Identifiers: Orphanet 261, MedGen C2751807, MONDO:0013071, OMIM 612998.

Allele frequency attached by ClinVar (database versions not stated): gnomAD 0.00001; TOPMed 0.00001; ExAC 0.00002; ESP Exome Variant Server 0.00008.
gnomAD v4.1: 21 of 1,614,068 alleles (0.0013%); highest among the groups gnomAD compares: South Asian, 0.0022%; no homozygotes.

Submissions (4):

Blueprint Genetics
Classification: Likely benign. Last evaluated: 2024-10-09. Review status: criteria provided, single submitter. Criteria: ACMG Guidelines, 2015. Collection method: clinical testing. Allele origin: germline.

Revvity Omics, Revvity
Classification: Uncertain significance. Last evaluated: 2023-05-10. Review status: criteria provided, single submitter. Criteria: ACMG Guidelines, 2015. Collection method: clinical testing. Allele origin: germline.

Labcorp Genetics (formerly Invitae), Labcorp
Classification: Uncertain significance for Emery-Dreifuss muscular dystrophy 4, autosomal dominant; Autosomal recessive ataxia, Beauce type. Last evaluated: 2022-06-15. Review status: criteria provided, single submitter. Criteria: Invitae Variant Classification Sherloc (09022015). Collection method: clinical testing. Allele origin: germline.
Comment: In summary, the available evidence is currently insufficient to determine the role of this variant in disease. Therefore, it has been classified as a Variant of Uncertain Significance. Algorithms developed to predict the effect of sequence changes on RNA splicing suggest that this variant may create or strengthen a splice site. Algorithms developed to predict the effect of missense changes on protein structure and function output the following: SIFT: "Tolerated"; PolyPhen-2: "Benign"; Align-GVGD: "Class C0". The glutamine amino acid residue is found in multiple mammalian species, which suggests that this missense change does not adversely affect protein function. ClinVar contains an entry for this variant (Variation ID: 501933). This variant has not been reported in the literature in individuals affected with SYNE1-related conditions. This variant is present in population databases (rs201750136, gnomAD 0.002%). This sequence change replaces arginine, which is basic and polar, with glutamine, which is neutral and polar, at codon 5201 of the SYNE1 protein (p.Arg5201Gln).

Eurofins Ntd Llc (ga)
Classification: Uncertain significance. Last evaluated: 2017-05-09. Review status: criteria provided, single submitter. Criteria: EGL Classification Definitions 2015. Collection method: clinical testing. Allele origin: germline. Observed: 1 variant allele, 1 heterozygote.